The following is an entry in ClinVar:

ClinVar aggregate classification (germline): Conflicting classifications of pathogenicity. Review status: criteria provided, conflicting classifications (1 of 4 stars). 2 submissions from 2 submitters: Pathogenic (1); Likely benign (1). Last evaluated 2025-04-23.

Conditions:
LAMA2-related muscular dystrophy (LAMA2-RD). Also called: Laminin alpha 2-related dystrophy. Identifiers: MedGen C5679788, MONDO:0100228.

Submissions (2):

Women's Health and Genetics/Laboratory Corporation of America, LabCorp
Classification: Likely benign. Last evaluated: 2025-04-23. Review status: criteria provided, single submitter. Criteria: LabCorp Variant Classification Summary - May 2015. Collection method: clinical testing. Allele origin: germline.
Comment: Variant summary: LAMA2 c.5071+3104delC is located at a position not widely known to affect splicing. Consensus agreement among computation tools predict no significant impact on normal splicing. However, these predictions have yet to be confirmed by functional studies. The variant was absent in 151558 control chromosomes. The available data on variant occurrences in the general population are insufficient to allow any conclusion about variant significance. To our knowledge, no occurrence of c.5071+3104delC in individuals affected with Merosin deficient congenital muscular dystrophy and no experimental evidence demonstrating its impact on protein function have been reported. No submitters have cited clinical-significance assessments for this variant to ClinVar. Based on the evidence outlined above, the variant was classified as likely benign.

Labcorp Genetics (formerly Invitae), Labcorp
Classification: Pathogenic for LAMA2-related muscular dystrophy. Last evaluated: 2016-10-05. Review status: criteria provided, single submitter. Criteria: Invitae Variant Classification Sherloc (09022015). Collection method: clinical testing. Allele origin: germline.
Comment: This sequence change deletes 82 nucleotides from exon 36 of the LAMA2 mRNA (c.5072-5154del), causing a frameshift at codon 1691. This creates a premature translational stop signal (p.Ala1691Glufs*4) and is expected to result in an absent or disrupted protein product. While this particular variant has not been reported in the literature, truncating variants in LAMA2 are known to be pathogenic (PMID: 18700894). For these reasons, this variant has been classified as Pathogenic.

NM_000426.4(LAMA2):c.5071+3104del

Gene: LAMA2 (laminin subunit alpha 2; plus strand). Cytogenetic location: 6q22.33.
Variant type: Deletion.
Coding change: c.5071+3104del on transcript NM_000426.4 (MANE Select); 3104 bases into the intron after coding-DNA position 5071, one base deleted (C; older notation c.5071+3104delC).
Molecular consequence: intron variant.
Genome position (GRCh38, 1-based): chr6:129,386,337, C deleted. VCF-style (leftmost placement, unchanged base first): chr6-129386336-TC-T. GRCh37 (hg19) VCF-style: chr6-129707481-TC-T.
Other names: c.5071+3104del (NM_001079823.2); c.5071+3104delC (NM_000426.4).
Identifiers: ClinVar variation 477481 (VCV000477481.3), dbSNP rs1554285766, ClinGen allele CA658657614.